The following is an entry in ClinVar:

ClinVar aggregate classification (germline): Uncertain significance (1 of 4 stars; one submission).

Allele frequency attached by ClinVar (database versions not stated): gnomAD exomes below 0.00001; gnomAD 0.00001; TOPMed 0.00001.
gnomAD v4.1: 7 of 1,613,554 alleles (0.00043%); highest among the groups gnomAD compares: Non-Finnish European, 0.00059%; no homozygotes.

Submission:

Labcorp Genetics (formerly Invitae), Labcorp
Classification: Uncertain significance. Last evaluated: 2023-09-09. Review status: criteria provided, single submitter. Criteria: Invitae Variant Classification Sherloc (09022015). Collection method: clinical testing. Allele origin: germline.
Comment: This variant is present in population databases (no rsID available, gnomAD 0.002%). This sequence change creates a premature translational stop signal (p.Trp436*) in the SAMD9 gene. While this is not anticipated to result in nonsense mediated decay, it is expected to disrupt the last 1154 amino acid(s) of the SAMD9 protein. This variant has not been reported in the literature in individuals affected with SAMD9-related conditions. In summary, the available evidence is currently insufficient to determine the role of this variant in disease. Therefore, it has been classified as a Variant of Uncertain Significance. Experimental studies and prediction algorithms are not available or were not evaluated, and the functional significance of this variant is currently unknown.

NM_017654.4(SAMD9):c.1308G>A (p.Trp436Ter)

Gene: SAMD9 (sterile alpha motif domain containing 9; minus strand). Cytogenetic location: 7q21.2.
Variant type: single nucleotide variant.
Coding change: c.1308G>A on transcript NM_017654.4 (MANE Select); coding-DNA position 1308, G replaced by A.
Protein change: p.Trp436Ter; replaces tryptophan 436 with a stop codon.
Molecular consequence: nonsense.
Genome position (GRCh38, 1-based): chr7:93,104,790, C>T on the plus strand (G>A on the coding strand, the complement: SAMD9 is on the minus strand). VCF-style: chr7-93104790-C-T. GRCh37 (hg19) VCF-style: chr7-92734103-C-T.
Other names: c.1308G>A, p.Trp436Ter (NM_001193307.2); short protein forms W436*.
Identifiers: ClinVar variation 3001630 (VCV003001630.3), dbSNP rs1386109293, ClinGen allele CA368197677.